The following is an entry in ClinVar:

ClinVar aggregate classification (germline): Uncertain significance. Review status: criteria provided, multiple submitters, no conflicts (2 of 4 stars). 15 submissions from 11 submitters: Uncertain significance (14). 1 of the submissions does not count toward it. Last evaluated 2026-09-21.

Conditions:
Meckel syndrome, type 4 (MKS4). Also called: MECKEL-GRUBER SYNDROME, TYPE 4. Identifiers: Orphanet 564, MedGen C1970161, MONDO:0012626, OMIM 611134.
Senior-Loken syndrome 6 (SLSN6). Identifiers: Orphanet 3156, MedGen C1857779, MONDO:0012433, OMIM 610189.
Joubert syndrome 5 (JBTS5). Identifiers: Orphanet 2318, MedGen C1857780, MONDO:0012432, OMIM 610188.
CEP290-related disorder. Also called: CEP290-related condition; CEP290-related disorders. Identifiers: MedGen CN239314.
Inborn genetic diseases. Identifiers: MedGen C0950123, MeSH D030342.
Joubert syndrome. Also called: Familial aplasia of the vermis; JOUBERT-BOLTSHAUSER SYNDROME. Identifiers: Orphanet 475, MedGen C5979921, MONDO:0018772.
Meckel-Gruber syndrome. Also called: GRUBER SYNDROME; Dysencephalia splachnocystica; DYSENCEPHALIA SPLANCHNOCYSTICA. Identifiers: Orphanet 564, MedGen C0265215, MONDO:0018921.
Nephronophthisis. Also called: Juvenile Nephronophthisis. Identifiers: Orphanet 655, MedGen C0687120, MONDO:0019005, HP:0000090.
Retinal dystrophy. Also called: Inherited retinal dystrophy. Identifiers: Orphanet 71862, MedGen C0854723, MeSH D058499, MONDO:0019118, HP:0000556.
Leber congenital amaurosis 10 (LCA10). Identifiers: Orphanet 65, MedGen C1857821, MONDO:0012723, OMIM 611755.
Bardet-Biedl syndrome 14 (BBS14). Identifiers: Orphanet 110, MedGen C2673874, MONDO:0014442, OMIM 615991.
Leber congenital amaurosis (LCA). Also called: Leber's amaurosis. Identifiers: Orphanet 65, MedGen C0339527, MeSH D057130, MONDO:0018998.

Allele frequency attached by ClinVar (database versions not stated): ExAC 0.00003; gnomAD exomes 0.00003 and 0.00004; TOPMed 0.00006; ESP Exome Variant Server 0.00008; gnomAD 0.00009 and 0.00010.
gnomAD v4.1: 70 of 1,600,728 alleles (0.0044%); highest among the groups gnomAD compares: Admixed American, 0.019%; no homozygotes.

Submissions (15):

PreventionGenetics, part of Exact Sciences
Classification: Uncertain significance for CEP290-related condition. Last evaluated: 2026-09-21. Review status: criteria provided, single submitter. Criteria: ACMG Guidelines, 2015. Collection method: clinical testing. Allele origin: germline.
Comment: The CEP290 c.5284C>T variant is predicted to result in the amino acid substitution p.Arg1762Cys. This variant in the homozygous condition has been reported as uncertain in one individual with ciliopathy (Best et al. 2022. PubMed ID: 35764379). This variant is reported in 0.016% of alleles in individuals of East Asian descent in gnomAD. A different substitution affecting the same amino acid (p.Arg1762His) has also been reported in a cohort study of patients with suspected retinitis pigmentosa (Table S2, Gao et al. 2019. PubMed ID: 31054281). At this time, the clinical significance of this variant is uncertain due to the absence of conclusive functional and genetic evidence.

Blueprint Genetics
Classification: Uncertain significance. Last evaluated: 2024-11-27. Review status: criteria provided, single submitter. Criteria: ACMG Guidelines, 2015. Collection method: clinical testing. Allele origin: germline.

Ambry Genetics
Classification: Uncertain significance for Inborn genetic diseases. Last evaluated: 2024-03-18. Review status: criteria provided, single submitter. Criteria: Ambry Variant Classification Scheme 2023. Collection method: clinical testing. Allele origin: germline.

Dept Of Ophthalmology, Nagoya University
Classification: Uncertain significance for Retinal dystrophy. Last evaluated: 2023-10-01. Review status: criteria provided, single submitter. Criteria: Submitter's publication. Collection method: research. Allele origin: germline. Affected: yes.

Labcorp Genetics (formerly Invitae), Labcorp
Classification: Uncertain significance for Joubert syndrome; Meckel-Gruber syndrome; Nephronophthisis. Last evaluated: 2022-10-24. Review status: criteria provided, single submitter. Criteria: Invitae Variant Classification Sherloc (09022015). Collection method: clinical testing. Allele origin: germline.
Comment: This sequence change replaces arginine, which is basic and polar, with cysteine, which is neutral and slightly polar, at codon 1762 of the CEP290 protein (p.Arg1762Cys). This variant is present in population databases (rs373307908, gnomAD 0.007%). This variant has not been reported in the literature in individuals affected with CEP290-related conditions. ClinVar contains an entry for this variant (Variation ID: 197084). Advanced modeling of protein sequence and biophysical properties (such as structural, functional, and spatial information, amino acid conservation, physicochemical variation, residue mobility, and thermodynamic stability) performed at Invitae indicates that this missense variant is not expected to disrupt CEP290 protein function. In summary, the available evidence is currently insufficient to determine the role of this variant in disease. Therefore, it has been classified as a Variant of Uncertain Significance.

Fulgent Genetics
Classification: Uncertain significance for Joubert syndrome 5; Senior-Loken syndrome 6; Meckel syndrome, type 4; Leber congenital amaurosis 10; Bardet-Biedl syndrome 14. Last evaluated: 2022-03-30. Review status: criteria provided, single submitter. Criteria: ACMG Guidelines, 2015. Collection method: clinical testing. Allele origin: unknown.

New York Genome Center
Classification: Uncertain significance for Joubert syndrome 5; Meckel syndrome, type 4; Senior-Loken syndrome 6. Last evaluated: 2021-02-22. Review status: criteria provided, single submitter. Criteria: NYGC Assertion Criteria 2020. Collection method: clinical testing. Allele origin: germline. Observed: 1 heterozygote.

Illumina Laboratory Services, Illumina
Classification: Uncertain significance for Joubert syndrome 5. Last evaluated: 2018-01-13. Review status: criteria provided, single submitter. Criteria: ICSL Variant Classification Criteria 13 December 2019. Collection method: clinical testing. Allele origin: germline.

Illumina Laboratory Services, Illumina
Classification: Uncertain significance for Leber congenital amaurosis 10. Last evaluated: 2018-01-13. Review status: criteria provided, single submitter. Criteria: ICSL Variant Classification Criteria 13 December 2019. Collection method: clinical testing. Allele origin: germline.

Illumina Laboratory Services, Illumina
Classification: Uncertain significance for Bardet-Biedl syndrome 14. Last evaluated: 2018-01-13. Review status: criteria provided, single submitter. Criteria: ICSL Variant Classification Criteria 13 December 2019. Collection method: clinical testing. Allele origin: germline.

Illumina Laboratory Services, Illumina
Classification: Uncertain significance for Meckel syndrome, type 4. Last evaluated: 2018-01-13. Review status: criteria provided, single submitter. Criteria: ICSL Variant Classification Criteria 13 December 2019. Collection method: clinical testing. Allele origin: germline.

Illumina Laboratory Services, Illumina
Classification: Uncertain significance for Senior-Loken syndrome 6. Last evaluated: 2018-01-13. Review status: criteria provided, single submitter. Criteria: ICSL Variant Classification Criteria 13 December 2019. Collection method: clinical testing. Allele origin: germline.

Center for Pediatric Genomic Medicine, Children's Mercy Hospital and Clinics
Classification: Uncertain significance. Last evaluated: 2015-06-02. Review status: criteria provided, single submitter. Criteria: ACMG Guidelines, 2015. Collection method: clinical testing. Allele origin: germline.
ClinVar note: Converted during submission from Uncertain Significance to Uncertain significance.

Eurofins Ntd Llc (ga)
Classification: Uncertain significance. Last evaluated: 2014-06-10. Review status: criteria provided, single submitter. Criteria: EGL Classification Definitions 2015. Collection method: clinical testing. Allele origin: germline. Observed: 1 variant allele, 1 heterozygote.

Natera, Inc.
Classification: Uncertain significance for Leber congenital amaurosis. Last evaluated: 2020-01-07. Review status: no assertion criteria provided. Collection method: clinical testing. Allele origin: germline. Not counted in ClinVar's aggregate classification.

NM_025114.4(CEP290):c.5284C>T (p.Arg1762Cys)

Gene: CEP290 (centrosomal protein 290; minus strand). Cytogenetic location: 12q21.32.
Variant type: single nucleotide variant.
Coding change: c.5284C>T on transcript NM_025114.4 (MANE Select); coding-DNA position 5284, C replaced by T.
Protein change: p.Arg1762Cys; replaces arginine 1762 with cysteine.
Molecular consequence: missense variant.
Genome position (GRCh38, 1-based): chr12:88,079,172, G>A on the plus strand (C>T on the coding strand, the complement: CEP290 is on the minus strand). VCF-style: chr12-88079172-G-A. GRCh37 (hg19) VCF-style: chr12-88472949-G-A.
Other names: short protein forms R1762C.
Identifiers: ClinVar variation 197084 (VCV000197084.25), dbSNP rs373307908, ClinGen allele CA245024.